The following is an entry in ClinVar:

ClinVar aggregate classification (germline): Conflicting classifications of pathogenicity. Review status: criteria provided, conflicting classifications (1 of 4 stars). 2 submissions from 2 submitters: Uncertain significance (1); Benign (1). Last evaluated 2024-03-21.

Conditions:
Ataxia-telangiectasia syndrome (AT). Also called: Ataxia telangiectasia (A-T); LOUIS-BAR SYNDROME; Cerebello-oculocutaneous telangiectasia; Immunodeficiency with ataxia telangiectasia; Ataxia-telangiectasia, complementation group D; AT, COMPLEMENTATION GROUP C. Identifiers: Orphanet 100, MedGen C0004135, MONDO:0008840, OMIM 208900.
Hereditary cancer-predisposing syndrome. Also called: Hereditary neoplastic syndrome; Neoplastic Syndromes, Hereditary; Tumor predisposition; Hereditary Cancer Syndrome. Identifiers: Orphanet 140162, MedGen C0027672, MeSH D009386, MONDO:0015356.

Submissions (2):

Labcorp Genetics (formerly Invitae), Labcorp
Classification: Uncertain significance for Ataxia-telangiectasia syndrome. Last evaluated: 2024-03-21. Review status: criteria provided, single submitter. Criteria: Invitae Variant Classification Sherloc (09022015). Collection method: clinical testing. Allele origin: germline.
Comment: This sequence change replaces arginine, which is basic and polar, with glycine, which is neutral and non-polar, at codon 2380 of the ATM protein (p.Arg2380Gly). This variant is not present in population databases (gnomAD no frequency). This variant has not been reported in the literature in individuals affected with ATM-related conditions. ClinVar contains an entry for this variant (Variation ID: 1757334). An algorithm developed to predict the effect of missense changes on protein structure and function (PolyPhen-2) suggests that this variant is likely to be tolerated. In summary, the available evidence is currently insufficient to determine the role of this variant in disease. Therefore, it has been classified as a Variant of Uncertain Significance.

Ambry Genetics
Classification: Benign for Hereditary cancer-predisposing syndrome. Last evaluated: 2023-11-03. Review status: criteria provided, single submitter. Criteria: Ambry Variant Classification Scheme 2023. Collection method: clinical testing. Allele origin: germline.

NM_000051.4(ATM):c.7138A>G (p.Arg2380Gly)

Genes: ATM (ATM serine/threonine kinase; plus strand), C11orf65 (chromosome 11 open reading frame 65; minus strand). Cytogenetic location: 11q22.3.
Variant type: single nucleotide variant.
Coding change: c.7138A>G on transcript NM_000051.4 (MANE Select); coding-DNA position 7138, A replaced by G.
Protein change: p.Arg2380Gly; replaces arginine 2380 with glycine.
Molecular consequence: missense variant. On other transcripts: intron variant (2).
Genome position (GRCh38, 1-based): chr11:108,329,069, A>G. VCF-style: chr11-108329069-A-G. GRCh37 (hg19) VCF-style: chr11-108199796-A-G.
Other names: c.7138A>G, p.Arg2380Gly (NM_001351834.2); c.641-19998T>C (NM_001330368.2); c.*38+6151T>C (NM_001351110.2); short protein forms R2380G.
Identifiers: ClinVar variation 1757334 (VCV001757334.5), dbSNP rs2136412985, ClinGen allele CA382559481.
Genomic context (GRCh38, chr11:108,329,069, plus strand): 5'-GTTTTCTTGAAGGCAGTAGAAGTTGCTGGAAATTATGATGGAGAAAGTAGTGATGAGCTA[A>G]GAAATGGAAAAATGAAGGCATTTCTCTCATTAGCCCGGTTTTCAGATACTCAATACCAAA-3'
Protein context (NP_000042.3, residues 2370-2390): NYDGESSDEL[Arg2380Gly]NGKMKAFLSL